The following is an entry in ClinVar:

NM_003060.4(SLC22A5):c.1387G>T (p.Val463Leu)

Gene: SLC22A5 (solute carrier family 22 member 5; plus strand). Cytogenetic location: 5q31.1.
Variant type: single nucleotide variant.
Coding change: c.1387G>T on transcript NM_003060.4 (MANE Select); coding-DNA position 1387, G replaced by T.
Protein change: p.Val463Leu; replaces valine 463 with leucine.
Molecular consequence: missense variant.
Genome position (GRCh38, 1-based): chr5:132,392,552, G>T. VCF-style: chr5-132392552-G-T. GRCh37 (hg19) VCF-style: chr5-131728244-G-T.
Other names: c.1459G>T, p.Val487Leu (NM_001308122.2); short protein forms V487L, V463L.
Identifiers: ClinVar variation 1496841 (VCV001496841.6), dbSNP rs2126791543, ClinGen allele CA360809072.

ClinVar aggregate classification (germline): Uncertain significance (1 of 4 stars; one submission).

Conditions:
Renal carnitine transport defect (CDSP). Also called: Carnitine transporter deficiency; Carnitine Deficiency, Systemic; Systemic primary carnitine deficiency disease; Primary carnitine deficiency; CARNITINE DEFICIENCY, SYSTEMIC, DUE TO DEFECT IN RENAL REABSORPTION OF CARNITINE; CARNITINE TRANSPORTER, PLASMA-MEMBRANE, DEFICIENCY OF. Identifiers: Orphanet 158, MedGen C0342788, MONDO:0008919, OMIM 212140.

Submission:

Labcorp Genetics (formerly Invitae), Labcorp
Classification: Uncertain significance for Renal carnitine transport defect. Last evaluated: 2022-11-15. Review status: criteria provided, single submitter. Criteria: Invitae Variant Classification Sherloc (09022015). Collection method: clinical testing. Allele origin: germline.
Comment: This variant is not present in population databases (gnomAD no frequency). This sequence change replaces valine, which is neutral and non-polar, with leucine, which is neutral and non-polar, at codon 463 of the SLC22A5 protein (p.Val463Leu). This variant has not been reported in the literature in individuals affected with SLC22A5-related conditions. ClinVar contains an entry for this variant (Variation ID: 1496841). Algorithms developed to predict the effect of missense changes on protein structure and function (SIFT, PolyPhen-2, Align-GVGD) all suggest that this variant is likely to be tolerated. In summary, the available evidence is currently insufficient to determine the role of this variant in disease. Therefore, it has been classified as a Variant of Uncertain Significance.